The following is an entry in ClinVar:

ClinVar aggregate classification (germline): Uncertain significance. Review status: criteria provided, multiple submitters, no conflicts (2 of 4 stars). 2 submissions from 2 submitters: Uncertain significance (2). Last evaluated 2025-02-09.

Conditions:
Inborn genetic diseases. Identifiers: MedGen C0950123, MeSH D030342.
Pulmonary fibrosis and/or bone marrow failure, Telomere-related, 3. Also called: PULMONARY FIBROSIS AND/OR BONE MARROW FAILURE SYNDROME, TELOMERE-RELATED, 3. Identifiers: Orphanet 2032, MedGen C4225346, MONDO:0014613, OMIM 616373.
Dyskeratosis congenita, autosomal recessive 5 (DKCB5). Identifiers: MedGen C3554656, MONDO:0014076, OMIM 615190.

Allele frequency attached by ClinVar (database versions not stated): gnomAD exomes 0.00001 and 0.00002.
gnomAD v4.1: 26 of 1,612,440 alleles (0.0016%); highest among the groups gnomAD compares: Non-Finnish European, 0.0022%; no homozygotes.

Submissions (2):

Ambry Genetics
Classification: Uncertain significance for Inborn genetic diseases. Last evaluated: 2025-02-09. Review status: criteria provided, single submitter. Criteria: Ambry Variant Classification Scheme 2023. Collection method: clinical testing. Allele origin: germline.
Comment: The p.C856S variant (also known as c.2567G>C), located in coding exon 27 of the RTEL1 gene, results from a G to C substitution at nucleotide position 2567. The cysteine at codon 856 is replaced by serine, an amino acid with dissimilar properties. This amino acid position is conserved. In addition, this alteration is predicted to be tolerated by in silico analysis. Based on the available evidence, the clinical significance of this variant remains unclear.

Labcorp Genetics (formerly Invitae), Labcorp
Classification: Uncertain significance for Dyskeratosis congenita, autosomal recessive 5; Pulmonary fibrosis and/or bone marrow failure, Telomere-related, 3. Last evaluated: 2021-08-26. Review status: criteria provided, single submitter. Criteria: Invitae Variant Classification Sherloc (09022015). Collection method: clinical testing. Allele origin: germline.
Comment: This sequence change replaces cysteine with serine at codon 856 of the RTEL1 protein (p.Cys856Ser). The cysteine residue is weakly conserved and there is a moderate physicochemical difference between cysteine and serine. This variant is not present in population databases (ExAC no frequency). This variant has not been reported in the literature in individuals affected with RTEL1-related conditions. Algorithms developed to predict the effect of missense changes on protein structure and function output the following: SIFT: "Tolerated"; PolyPhen-2: "Benign"; Align-GVGD: "Class C0". The serine amino acid residue is found in multiple mammalian species, which suggests that this missense change does not adversely affect protein function. In summary, the available evidence is currently insufficient to determine the role of this variant in disease. Therefore, it has been classified as a Variant of Uncertain Significance.

NM_001283009.2(RTEL1):c.2567G>C (p.Cys856Ser)

Genes: RTEL1 (regulator of telomere elongation helicase 1; plus strand), RTEL1-TNFRSF6B (RTEL1-TNFRSF6B readthrough (NMD candidate); plus strand). Cytogenetic location: 20q13.33.
Variant type: single nucleotide variant.
Coding change: c.2567G>C on transcript NM_001283009.2 (MANE Select); coding-DNA position 2567, G replaced by C.
Protein change: p.Cys856Ser; replaces cysteine 856 with serine.
Molecular consequence: missense variant. On other transcripts: non-coding transcript variant (1).
Genome position (GRCh38, 1-based): chr20:63,691,752, G>C. VCF-style: chr20-63691752-G-C. GRCh37 (hg19) VCF-style: chr20-62323105-G-C.
Other names: c.1898G>C, p.Cys633Ser (NM_001283010.1); c.2567G>C, p.Cys856Ser (NM_016434.4); c.2639G>C, p.Cys880Ser (NM_032957.5); short protein forms C856S, C633S, C880S.
Identifiers: ClinVar variation 1394909 (VCV001394909.6), dbSNP rs1398820483, ClinGen allele CA409682238.